The following is an entry in ClinVar:

ClinVar aggregate classification (germline): Uncertain significance (1 of 4 stars; one submission).

Allele frequency attached by ClinVar (database versions not stated): gnomAD exomes below 0.00001 and 0.00001; ExAC 0.00001; gnomAD 0.00001; TOPMed 0.00001.

Submission:

Labcorp Genetics (formerly Invitae), Labcorp
Classification: Uncertain significance. Last evaluated: 2021-10-05. Review status: criteria provided, single submitter. Criteria: Invitae Variant Classification Sherloc (09022015). Collection method: clinical testing. Allele origin: germline.
Comment: In summary, the available evidence is currently insufficient to determine the role of this variant in disease. Therefore, it has been classified as a Variant of Uncertain Significance. This sequence change replaces arginine with cysteine at codon 31 of the CETP protein (p.Arg31Cys). The arginine residue is highly conserved and there is a large physicochemical difference between arginine and cysteine. This variant is present in population databases (rs777093455, ExAC 0.002%). This variant has not been reported in the literature in individuals affected with CETP-related conditions. Algorithms developed to predict the effect of missense changes on protein structure and function output the following: SIFT: "Deleterious"; PolyPhen-2: "Probably Damaging"; Align-GVGD: "Class C0". The cysteine amino acid residue is found in multiple mammalian species, which suggests that this missense change does not adversely affect protein function.

NM_000078.3(CETP):c.91C>T (p.Arg31Cys)

Gene: CETP (cholesteryl ester transfer protein; plus strand). Cytogenetic location: 16q13.
Variant type: single nucleotide variant.
Coding change: c.91C>T on transcript NM_000078.3 (MANE Select); coding-DNA position 91, C replaced by T.
Protein change: p.Arg31Cys; replaces arginine 31 with cysteine.
Molecular consequence: missense variant.
Genome position (GRCh38, 1-based): chr16:56,962,070, C>T. VCF-style: chr16-56962070-C-T. GRCh37 (hg19) VCF-style: chr16-56995982-C-T.
Other names: c.91C>T, p.Arg31Cys (NM_001286085.2); short protein forms R31C.
Identifiers: ClinVar variation 1358966 (VCV001358966.6), dbSNP rs777093455, ClinGen allele CA8070746.